The following is an entry in ClinVar:

ClinVar aggregate classification (germline): Uncertain significance (1 of 4 stars; one submission).

Conditions:
X-linked immunodeficiency with magnesium defect, Epstein-Barr virus infection and neoplasia. Identifiers: Orphanet 317476, MedGen C3275445, MONDO:0010455, OMIM 300853.

gnomAD v4.1: 2 of 1,210,715 alleles (0.00017%); highest among the groups gnomAD compares: Non-Finnish European, 0.00022%; no homozygotes.

Submission:

Labcorp Genetics (formerly Invitae), Labcorp
Classification: Uncertain significance for X-linked immunodeficiency with magnesium defect, Epstein-Barr virus infection and neoplasia. Last evaluated: 2021-11-20. Review status: criteria provided, single submitter. Criteria: Invitae Variant Classification Sherloc (09022015). Collection method: clinical testing. Allele origin: germline.
Comment: This sequence change replaces alanine, which is neutral and non-polar, with glycine, which is neutral and non-polar, at codon 31 of the MAGT1 protein (p.Ala31Gly). This variant is not present in population databases (gnomAD no frequency). This variant has not been reported in the literature in individuals affected with MAGT1-related conditions. Algorithms developed to predict the effect of missense changes on protein structure and function output the following: SIFT: "Tolerated"; PolyPhen-2: "Benign"; Align-GVGD: "Class C0". The glycine amino acid residue is found in multiple mammalian species, which suggests that this missense change does not adversely affect protein function. In summary, the available evidence is currently insufficient to determine the role of this variant in disease. Therefore, it has been classified as a Variant of Uncertain Significance.

NM_001367916.1(MAGT1):c.-5C>G

Genes: MAGT1 (magnesium transporter 1; minus strand), LOC130068460 (ATAC-STARR-seq lymphoblastoid active region 29781; plus strand). Cytogenetic location: Xq21.1.
Variant type: single nucleotide variant.
Coding change: c.-5C>G on transcript NM_001367916.1 (MANE Select); 5 bases upstream of the start codon, C replaced by G.
Molecular consequence: 5 prime UTR variant. On other transcripts: missense variant (1).
Genome position (GRCh38, 1-based): chrX:77,895,415, G>C on the plus strand (C>G on the coding strand, the complement: MAGT1 is on the minus strand). VCF-style: chrX-77895415-G-C. GRCh37 (hg19) VCF-style: chrX-77150912-G-C.
Other names: c.92C>G, p.Ala31Gly (NM_032121.5); short protein forms A31G.
Identifiers: ClinVar variation 1519135 (VCV001519135.1), dbSNP rs199604767, ClinGen allele CA413714381.
Genomic context (GRCh38, chrX:77,895,415, plus strand): 5'-AGCAGCGCCACCACCATGGTCACAGAGACACACCAAAACCGCCAACGCGCTGCCATGTTC[G>C]CTCCTCTCCCTTCTATAAGTGAAACTTTGCTCCGGCTAGGTCTGAGGGTGGGGCGTGAGA-3'